The following is an entry in ClinVar:

NM_000179.3(MSH6):c.2343A>C (p.Pro781=)

Gene: MSH6 (mutS homolog 6; plus strand). Cytogenetic location: 2p16.3.
Variant type: single nucleotide variant.
Coding change: c.2343A>C on transcript NM_000179.3 (MANE Select); coding-DNA position 2343, A replaced by C.
Protein change: p.Pro781=; no amino-acid change (proline 781 retained).
Molecular consequence: synonymous variant.
Genome position (GRCh38, 1-based): chr2:47,800,326, A>C. VCF-style: chr2-47800326-A-C. GRCh37 (hg19) VCF-style: chr2-48027465-A-C.
Other names: c.1953A>C, p.Pro651= (NM_001281492.2); c.1437A>C, p.Pro479= (NM_001281493.2, NM_001281494.2).
Identifiers: ClinVar variation 483780 (VCV000483780.29), dbSNP rs965368508, ClinGen allele CA46710935.
Genomic context (GRCh38, chr2:47,800,326, plus strand): 5'-GGTTGATACTTGCCATACTCCTTTTGGTAAGCGGCTCCTAAAGCAATGGCTTTGTGCCCC[A>C]CTCTGTAACCATTATGCTATTAATGATCGTCTAGATGCCATAGAAGACCTCATGGTTGTG-3'
Protein context (NP_000170.1, residues 771-791): KRLLKQWLCA[Pro781=]LCNHYAINDR

ClinVar aggregate classification (germline): Benign/Likely benign. Review status: criteria provided, multiple submitters, no conflicts (2 of 4 stars). 8 submissions from 8 submitters: Benign (1); Likely benign (7). Last evaluated 2025-08-01.

Conditions:
Hereditary cancer-predisposing syndrome. Also called: Hereditary neoplastic syndrome; Tumor predisposition; Neoplastic Syndromes, Hereditary; Hereditary Cancer Syndrome. Identifiers: Orphanet 140162, MedGen C0027672, MeSH D009386, MONDO:0015356.
Hereditary nonpolyposis colorectal neoplasms. Identifiers: MedGen C0009405, MeSH D003123.
Lynch syndrome. Identifiers: Orphanet 144, MedGen C4552100, MONDO:0005835. Disease mechanism: loss of function.
Lynch syndrome 5 (LYNCH5). Also called: Hereditary non-polyposis colorectal cancer, type 5; Colorectal cancer, hereditary nonpolyposis, type 5. Identifiers: Orphanet 144, MedGen C1833477, MONDO:0013710, OMIM 614350. Disease mechanism: loss of function.

Allele frequency attached by ClinVar (database versions not stated): TOPMed 0.00001.

Submissions (8):

CeGaT Center for Human Genetics Tuebingen
Classification: Likely benign. Last evaluated: 2025-08-01. Review status: criteria provided, single submitter. Criteria: CeGaT Center For Human Genetics Tuebingen Variant Classification Criteria Version 2. Collection method: clinical testing. Allele origin: germline. Affected: yes. Observed: 1 variant allele.
Comment: MSH6: PM2:Supporting, BP4, BP7

Labcorp Genetics (formerly Invitae), Labcorp
Classification: Likely benign for Hereditary nonpolyposis colorectal neoplasms. Last evaluated: 2025-07-23. Review status: criteria provided, single submitter. Criteria: Invitae Variant Classification Sherloc (09022015). Collection method: clinical testing. Allele origin: germline.

Myriad Genetics, Inc.
Classification: Benign for Lynch syndrome 5. Last evaluated: 2024-12-31. Review status: criteria provided, single submitter. Criteria: Myriad Autosomal Dominant, Autosomal Recessive and X-Linked Classification Criteria (2023). Collection method: clinical testing. Allele origin: unknown.
Comment: This variant is considered benign. This variant is a silent/synonymous amino acid change and it is not expected to impact splicing.

Women's Health and Genetics/Laboratory Corporation of America, LabCorp
Classification: Likely benign. Last evaluated: 2024-01-26. Review status: criteria provided, single submitter. Criteria: LabCorp Variant Classification Summary - May 2015. Collection method: clinical testing. Allele origin: germline.

All of Us Research Program, National Institutes of Health
Classification: Likely benign for Lynch syndrome. Last evaluated: 2023-10-23. Review status: criteria provided, single submitter. Criteria: ACMG Guidelines, 2015. Collection method: clinical testing. Allele origin: germline. Inheritance: Autosomal dominant inheritance. Observed: 1 variant allele, 1 heterozygote.
Comment: This study involves interpretation of variants in research participants for the purpose of population health screening. Participant phenotype was not available at the time of variant classification. Additional details can be found in publication PMID: 35346344, PMCID: PMC8962531

GeneDx
Classification: Likely benign. Last evaluated: 2017-04-24. Review status: criteria provided, single submitter. Criteria: GeneDx Variant Classification (06012015). Collection method: clinical testing. Allele origin: germline. Affected: yes.
Comment: This variant is considered likely benign or benign based on one or more of the following criteria: it is a conservative change, it occurs at a poorly conserved position in the protein, it is predicted to be benign by multiple in silico algorithms, and/or has population frequency not consistent with disease.

Color Diagnostics, LLC DBA Color Health
Classification: Likely benign for Hereditary cancer-predisposing syndrome. Last evaluated: 2017-04-06. Review status: criteria provided, single submitter. Criteria: ACMG Guidelines, 2015. Collection method: clinical testing. Allele origin: germline.

Ambry Genetics
Classification: Likely benign for Hereditary cancer-predisposing syndrome. Last evaluated: 2016-01-06. Review status: criteria provided, single submitter. Criteria: Ambry Variant Classification Scheme 2023. Collection method: clinical testing. Allele origin: germline.